The following is an entry in ClinVar:

ClinVar aggregate classification (germline): Uncertain significance. Review status: criteria provided, multiple submitters, no conflicts (2 of 4 stars). 2 submissions from 2 submitters: Uncertain significance (2). Last evaluated 2023-12-20.

Conditions:
Inborn genetic diseases. Identifiers: MedGen C0950123, MeSH D030342.
Leukocyte adhesion deficiency 1 (LAD1). Also called: LEUKOCYTE ADHESION DEFICIENCY, TYPE I; LAD 1; Lymphocyte function-associated antigen 1 immunodeficiency; LFA 1 immunodeficiency. Identifiers: Orphanet 2968, Orphanet 99842, MedGen C0398738, MONDO:0007293, OMIM 116920.

Allele frequency attached by ClinVar (database versions not stated): ExAC 0.00002; gnomAD 0.00003; gnomAD exomes 0.00004; TOPMed 0.00008.
gnomAD v4.1: 64 of 1,612,710 alleles (0.004%); highest among the groups gnomAD compares: Admixed American, 0.015%; no homozygotes.

Submissions (2):

Labcorp Genetics (formerly Invitae), Labcorp
Classification: Uncertain significance for Leukocyte adhesion deficiency 1. Last evaluated: 2023-12-20. Review status: criteria provided, single submitter. Criteria: Invitae Variant Classification Sherloc (09022015). Collection method: clinical testing. Allele origin: germline.
Comment: This sequence change replaces arginine, which is basic and polar, with histidine, which is basic and polar, at codon 597 of the ITGB2 protein (p.Arg597His). The frequency data for this variant in the population databases is considered unreliable, as metrics indicate poor data quality at this position in the gnomAD database. This variant has not been reported in the literature in individuals affected with ITGB2-related conditions. ClinVar contains an entry for this variant (Variation ID: 2198147). Algorithms developed to predict the effect of missense changes on protein structure and function output the following: SIFT: "Not Available"; PolyPhen-2: "Benign"; Align-GVGD: "Not Available". The histidine amino acid residue is found in multiple mammalian species, which suggests that this missense change does not adversely affect protein function. In summary, the available evidence is currently insufficient to determine the role of this variant in disease. Therefore, it has been classified as a Variant of Uncertain Significance.

Ambry Genetics
Classification: Uncertain significance for Inborn genetic diseases. Last evaluated: 2023-12-08. Review status: criteria provided, single submitter. Criteria: Ambry Variant Classification Scheme 2023. Collection method: clinical testing. Allele origin: germline.

NM_000211.5(ITGB2):c.1790G>A (p.Arg597His)

Gene: ITGB2 (integrin subunit beta 2; minus strand). Cytogenetic location: 21q22.3.
Variant type: single nucleotide variant.
Coding change: c.1790G>A on transcript NM_000211.5 (MANE Select); coding-DNA position 1790, G replaced by A.
Protein change: p.Arg597His; replaces arginine 597 with histidine.
Molecular consequence: missense variant.
Genome position (GRCh38, 1-based): chr21:44,889,363, C>T on the plus strand (G>A on the coding strand, the complement: ITGB2 is on the minus strand). VCF-style: chr21-44889363-C-T. GRCh37 (hg19) VCF-style: chr21-46309278-C-T.
Other names: c.1790G>A, p.Arg597His (NM_001127491.3); c.1583G>A, p.Arg528His (NM_001303238.2); short protein forms R597H, R528H.
Identifiers: ClinVar variation 2198147 (VCV002198147.3), dbSNP rs751106857, ClinGen allele CA10062704.